The following is an entry in ClinVar:

NM_006295.3(VARS1):c.1137del (p.Gly380fs)

Gene: VARS1 (valyl-tRNA synthetase 1; minus strand). Cytogenetic location: 6p21.33.
Variant type: Deletion.
Coding change: c.1137del on transcript NM_006295.3 (MANE Select); coding-DNA position 1137, one base deleted (T; older notation c.1137delT).
Protein change: p.Gly380fs; shifts the reading frame from glycine 380.
Molecular consequence: frameshift variant.
Genome position (GRCh38, 1-based): chr6:31,785,697, A deleted on the plus strand (T on the coding strand, the reverse complement: VARS1 is on the minus strand). VCF-style (leftmost placement, unchanged base first): chr6-31785696-CA-C. GRCh37 (hg19) VCF-style: chr6-31753473-CA-C.
Other names: c.1137delT (NM_006295.3); short protein forms G380fs.
Identifiers: ClinVar variation 3251797 (VCV003251797.1), dbSNP rs2480864905.

ClinVar aggregate classification (germline): Pathogenic (1 of 4 stars; one submission).

Conditions:
Neurodevelopmental disorder with microcephaly, seizures, and cortical atrophy. Identifiers: MedGen C4540493, MONDO:0060621, OMIM 617802.

Allele frequency attached by ClinVar (database versions not stated): gnomAD exomes below 0.00001.

Submission:

Women's Health and Genetics/Laboratory Corporation of America, LabCorp
Classification: Pathogenic for Neurodevelopmental disorder with microcephaly, seizures, and cortical atrophy. Last evaluated: 2024-04-22. Review status: criteria provided, single submitter. Criteria: LabCorp Variant Classification Summary - May 2015. Collection method: clinical testing. Allele origin: germline.
Comment: Variant summary: VARS1 c.1137delT (p.Gly380AlafsX23) results in a premature termination codon, predicted to cause a truncation of the encoded protein or absence of the protein due to nonsense mediated decay, which are commonly known mechanisms for disease. The variant was absent in 245660 control chromosomes. To our knowledge, no occurrence of c.1137delT in individuals affected with Neurodevelopmental Disorder With Microcephaly, Seizures, And Cortical Atrophy and no experimental evidence demonstrating its impact on protein function have been reported. No submitters have cited clinical-significance assessments for this variant to ClinVar. Based on the evidence outlined above, the variant was classified as pathogenic.